The following is an entry in ClinVar:

NM_002485.5(NBN):c.1245_1248dup (p.Val417fs)

Gene: NBN (nibrin; minus strand). Cytogenetic location: 8q21.3.
Variant type: Duplication.
Coding change: c.1245_1248dup on transcript NM_002485.5 (MANE Select); coding-DNA positions 1245 to 1248, 4 bases duplicated (TATG; older notation c.1245_1248dupTATG).
Protein change: p.Val417fs; shifts the reading frame from valine 417.
Molecular consequence: frameshift variant.
Genome position (GRCh38, 1-based): chr8:89,955,432-89,955,435, CATA duplicated on the plus strand (TATG on the coding strand, the reverse complement: NBN is on the minus strand); duplicating any 4 consecutive bases within chr8:89,955,432-89,955,436 gives the same sequence; the c. name uses the placement nearest the transcript's 3' end. VCF-style (leftmost placement, unchanged base first): chr8-89955431-C-CCATA. GRCh37 (hg19) VCF-style: chr8-90967659-C-CCATA.
Other names: c.999_1002dup, p.Val335fs (NM_001024688.3); c.1245_1248dupTATG (NM_002485.4); short protein forms V335fs, V417fs.
Identifiers: ClinVar variation 1759188 (VCV001759188.2), dbSNP rs2488244167, ClinGen allele CA2580079080.

ClinVar aggregate classification (germline): Pathogenic (1 of 4 stars; one submission).

Conditions:
Hereditary cancer-predisposing syndrome. Also called: Neoplastic Syndromes, Hereditary; Tumor predisposition; Hereditary Cancer Syndrome; Hereditary neoplastic syndrome. Identifiers: Orphanet 140162, MedGen C0027672, MeSH D009386, MONDO:0015356.

Submission:

Ambry Genetics
Classification: Pathogenic for Hereditary cancer-predisposing syndrome. Last evaluated: 2019-08-20. Review status: criteria provided, single submitter. Criteria: Ambry Variant Classification Scheme 2023. Collection method: clinical testing. Allele origin: germline.
Comment: The c.1245_1248dupTATG pathogenic mutation, located in coding exon 10 of the NBN gene, results from a duplication of TATG at nucleotide position 1245, causing a translational frameshift with a predicted alternate stop codon (p.V1417Yfs*8). This alteration is expected to result in loss of function by premature protein truncation or nonsense-mediated mRNA decay. As such, this alteration is interpreted as a disease-causing mutation.